The following is an entry in ClinVar:

NM_006767.4(LZTR1):c.2070-1G>A

Gene: LZTR1 (leucine zipper like post translational regulator 1; plus strand). Cytogenetic location: 22q11.21.
Variant type: single nucleotide variant.
Coding change: c.2070-1G>A on transcript NM_006767.4 (MANE Select); the canonical splice acceptor site of the intron before coding-DNA position 2070, G replaced by A.
Molecular consequence: splice acceptor variant.
Genome position (GRCh38, 1-based): chr22:20,995,962, G>A. VCF-style: chr22-20995962-G-A. GRCh37 (hg19) VCF-style: chr22-21350251-G-A.
Identifiers: ClinVar variation 1785379 (VCV001785379.6), dbSNP rs748538968, ClinGen allele CA10119233.

ClinVar aggregate classification (germline): Likely pathogenic. Review status: criteria provided, multiple submitters, no conflicts (2 of 4 stars). 2 submissions from 2 submitters: Likely pathogenic (2). Last evaluated 2025-11-10.

Conditions:
Hereditary cancer-predisposing syndrome. Also called: Neoplastic Syndromes, Hereditary; Tumor predisposition; Hereditary Cancer Syndrome; Hereditary neoplastic syndrome. Identifiers: Orphanet 140162, MedGen C0027672, MeSH D009386, MONDO:0015356.
Cardiovascular phenotype. Identifiers: MedGen CN230736.

Allele frequency attached by ClinVar (database versions not stated): TOPMed 0.00001; ExAC 0.00002.
gnomAD v4.1: 7 of 1,613,598 alleles (0.00043%); highest among the groups gnomAD compares: African/African-American, 0.0027%; no homozygotes.

Submissions (2):

Labcorp Genetics (formerly Invitae), Labcorp
Classification: Likely pathogenic. Last evaluated: 2025-11-10. Review status: criteria provided, single submitter. Criteria: Invitae Variant Classification Sherloc (09022015). Collection method: clinical testing. Allele origin: germline.
Comment: This sequence change affects an acceptor splice site in intron 17 of the LZTR1 gene. It is expected to disrupt RNA splicing. Variants that disrupt the donor or acceptor splice site typically lead to a loss of protein function (PMID: 16199547), and loss-of-function variants in LZTR1 are known to be pathogenic (PMID: 24362817, 25335493, 25480913, 25795793, 29469822, 30368668, 30442762, 30442766, 30481304, 30859559). This variant is present in population databases (rs748538968, gnomAD 0.02%). This variant has not been reported in the literature in individuals affected with LZTR1-related conditions. ClinVar contains an entry for this variant (Variation ID: 1785379). Algorithms developed to predict the effect of sequence changes on RNA splicing suggest that this variant may disrupt the consensus splice site. In summary, the currently available evidence indicates that the variant is pathogenic, but additional data are needed to prove that conclusively. Therefore, this variant has been classified as Likely Pathogenic.

Ambry Genetics
Classification: Likely pathogenic for Cardiovascular phenotype; Hereditary cancer-predisposing syndrome. Last evaluated: 2025-03-24. Review status: criteria provided, single submitter. Criteria: Ambry Variant Classification Scheme 2023. Collection method: clinical testing. Allele origin: germline.
Comment: The c.2070-1G>A intronic variant results from a G to A substitution one nucleotide upstream from coding exon 18 of the LZTR1 gene. This nucleotide position is highly conserved in available vertebrate species. In silico splice site analysis predicts that this alteration will weaken the native splice acceptor site and will result in the creation or strengthening of a novel splice acceptor site. RNA studies have demonstrated that this alteration results in abnormal splicing in the set of samples tested (Ambry internal data). Loss-of-function variants in LZTR1 are related to an increased risk for schwannomas and autosomal recessive Noonan syndrome; however, such associations with autosomal dominant Noonan syndrome have not been observed (Piotrowski A et al. Nat Genet. 2014 Feb;46:182-7; Yamamoto GL et al. J Med Genet. 2015 Jun;52:413-21; Johnston JJ et al. Genet Med. 2018 10;20:1175-1185). Based on the supporting evidence, this variant is likely pathogenic for an increased risk of LZTR1-related schwannomatosis (SWN) and would be expected to cause autosomal recessive Noonan syndrome when present along with a second pathogenic or likely pathogenic variant on the other allele; however, the association of this alteration with autosomal dominant Noonan syndrome is unlikely.

Literature cited by the submitters: PubMed 16199547 (cited by Labcorp Genetics (formerly Invitae), Labcorp); PubMed 24362817 (cited by Labcorp Genetics (formerly Invitae), Labcorp); PubMed 25335493 (cited by Labcorp Genetics (formerly Invitae), Labcorp); PubMed 25480913 (cited by Labcorp Genetics (formerly Invitae), Labcorp); PubMed 25795793 (cited by Labcorp Genetics (formerly Invitae), Labcorp); PubMed 29469822 (cited by Labcorp Genetics (formerly Invitae), Labcorp); PubMed 30368668 (cited by Labcorp Genetics (formerly Invitae), Labcorp); PubMed 30442762 (cited by Labcorp Genetics (formerly Invitae), Labcorp); PubMed 30442766 (cited by Labcorp Genetics (formerly Invitae), Labcorp); PubMed 30481304 (cited by Labcorp Genetics (formerly Invitae), Labcorp); PubMed 30859559 (cited by Labcorp Genetics (formerly Invitae), Labcorp).